The following is an entry in ClinVar:

NM_000263.4(NAGLU):c.2121del (p.Phe708fs)

Gene: NAGLU (N-acetyl-alpha-glucosaminidase; plus strand). Cytogenetic location: 17q21.2.
Variant type: Deletion.
Coding change: c.2121del on transcript NM_000263.4 (MANE Select); coding-DNA position 2121, one base deleted (C; older notation c.2121delC).
Protein change: p.Phe708fs; shifts the reading frame from phenylalanine 708.
Molecular consequence: frameshift variant.
Genome position (GRCh38, 1-based): chr17:42,544,127, C deleted; the last of 2 consecutive C bases (chr17:42,544,126-42,544,127); deleting either gives the same sequence. VCF-style (leftmost placement, unchanged base first): chr17-42544125-GC-G. GRCh37 (hg19) VCF-style: chr17-40696143-GC-G.
Other names: short protein forms F708fs.
Identifiers: ClinVar variation 5004413 (VCV005004413.1).
Genomic context (GRCh38, chr17:42,544,125, plus strand): 5'-GCCCAGGGCATCCCTTTCCAACAGCACCAGTTTGACAAAAATGTCTTCCAACTGGAGCAG[GC>G]CTTCGTTCTCAGCAAGCAGAGGTACCCCAGCCAGCCGCGAGGAGACACTGTGGACCTGGC-3'

ClinVar aggregate classification (germline): Uncertain significance (1 of 4 stars; one submission).

Conditions:
Mucopolysaccharidosis, MPS-III-B (MPS3B). Also called: N-ACETYL-ALPHA-D-GLUCOSAMINIDASE DEFICIENCY; NAGLU DEFICIENCY; SANFILIPPO SYNDROME B; MPS III B; Mucopolysaccharidosis type IIIB (Sanfilippo B); MUCOPOLYSACCHARIDOSIS, TYPE IIIB. Identifiers: Orphanet 79270, MedGen C0086648, MONDO:0009656, OMIM 252920.

Submission:

Myriad Genetics, Inc.
Classification: Uncertain significance for Mucopolysaccharidosis, MPS-III-B. Last evaluated: 2026-01-26. Review status: criteria provided, single submitter. Criteria: Myriad Autosomal Dominant, Autosomal Recessive and X-Linked Classification Criteria (2023). Collection method: clinical testing. Allele origin: unknown.
Comment: NM_000263.3(NAGLU):c.2121delC(F708Sfs*99) is a readthrough frameshift variant classified as a variant of uncertain significance in the context of mucopolysaccharidosis type IIIB. F708Sfs*99 has not been observed in cases with relevant disease. Relevant functional assessments of this variant are not available in the literature. F708Sfs*99 has not been observed in referenced population frequency databases. In summary, there is insufficient evidence to classify NM_000263.3(NAGLU):c.2121delC(F708Sfs*99) as pathogenic or benign. Please note: this variant was assessed in the context of healthy population screening.